The following is an entry in ClinVar:

NM_005045.4(RELN):c.6134G>C (p.Arg2045Thr)

Gene: RELN (reelin; minus strand). Cytogenetic location: 7q22.1.
Variant type: single nucleotide variant.
Coding change: c.6134G>C on transcript NM_005045.4 (MANE Select); coding-DNA position 6134, G replaced by C.
Protein change: p.Arg2045Thr; replaces arginine 2045 with threonine.
Molecular consequence: missense variant.
Genome position (GRCh38, 1-based): chr7:103,551,235, C>G on the plus strand (G>C on the coding strand, the complement: RELN is on the minus strand). VCF-style: chr7-103551235-C-G. GRCh37 (hg19) VCF-style: chr7-103191682-C-G.
Other names: c.6134G>C, p.Arg2045Thr (NM_173054.3); short protein forms R2045T.
Identifiers: ClinVar variation 1718579 (VCV001718579.5), dbSNP rs2484717611, ClinGen allele CA368738503.

ClinVar aggregate classification (germline): Uncertain significance (1 of 4 stars; one submission).

Conditions:
Norman-Roberts syndrome (LIS2). Also called: Lissencephaly 2 (Norman-Roberts type). Identifiers: Orphanet 89844, MedGen C0796089, MONDO:0009760, OMIM 257320.
Familial temporal lobe epilepsy 7. Identifiers: Orphanet 101046, MedGen C4225327, MONDO:0014639, OMIM 616436.

Submission:

Labcorp Genetics (formerly Invitae), Labcorp
Classification: Uncertain significance for Familial temporal lobe epilepsy 7; Norman-Roberts syndrome. Last evaluated: 2022-10-09. Review status: criteria provided, single submitter. Criteria: Invitae Variant Classification Sherloc (09022015). Collection method: clinical testing. Allele origin: germline.
Comment: In summary, the available evidence is currently insufficient to determine the role of this variant in disease. Therefore, it has been classified as a Variant of Uncertain Significance. Advanced modeling of protein sequence and biophysical properties (such as structural, functional, and spatial information, amino acid conservation, physicochemical variation, residue mobility, and thermodynamic stability) performed at Invitae indicates that this missense variant is not expected to disrupt RELN protein function. This variant has not been reported in the literature in individuals affected with RELN-related conditions. This variant is not present in population databases (gnomAD no frequency). This sequence change replaces arginine, which is basic and polar, with threonine, which is neutral and polar, at codon 2045 of the RELN protein (p.Arg2045Thr).